The following is an entry in ClinVar:

NM_000092.5(COL4A4):c.4688T>G (p.Val1563Gly)

Gene: COL4A4 (collagen type IV alpha 4 chain; minus strand). Cytogenetic location: 2q36.3.
Variant type: single nucleotide variant.
Coding change: c.4688T>G on transcript NM_000092.5 (MANE Select); coding-DNA position 4688, T replaced by G.
Protein change: p.Val1563Gly; replaces valine 1563 with glycine.
Molecular consequence: missense variant.
Genome position (GRCh38, 1-based): chr2:227,008,139, A>C on the plus strand (T>G on the coding strand, the complement: COL4A4 is on the minus strand). VCF-style: chr2-227008139-A-C. GRCh37 (hg19) VCF-style: chr2-227872855-A-C.
Other names: short protein forms V1563G.
Identifiers: ClinVar variation 1313820 (VCV001313820.3), dbSNP rs2149721235, ClinGen allele CA351140684.

ClinVar aggregate classification (germline): Uncertain significance. Review status: criteria provided, multiple submitters, no conflicts (2 of 4 stars). 2 submissions from 2 submitters: Uncertain significance (2). Last evaluated 2025-03-31.

Submissions (2):

Labcorp Genetics (formerly Invitae), Labcorp
Classification: Uncertain significance. Last evaluated: 2025-03-31. Review status: criteria provided, single submitter. Criteria: Invitae Variant Classification Sherloc (09022015). Collection method: clinical testing. Allele origin: germline.
Comment: This sequence change replaces valine, which is neutral and non-polar, with glycine, which is neutral and non-polar, at codon 1563 of the COL4A4 protein (p.Val1563Gly). This variant is not present in population databases (gnomAD no frequency). This variant has not been reported in the literature in individuals affected with COL4A4-related conditions. ClinVar contains an entry for this variant (Variation ID: 1313820). Invitae Evidence Modeling of protein sequence and biophysical properties (such as structural, functional, and spatial information, amino acid conservation, physicochemical variation, residue mobility, and thermodynamic stability) indicates that this missense variant is expected to disrupt COL4A4 protein function with a positive predictive value of 80%. In summary, the available evidence is currently insufficient to determine the role of this variant in disease. Therefore, it has been classified as a Variant of Uncertain Significance.

GeneDx
Classification: Uncertain significance. Last evaluated: 2021-01-05. Review status: criteria provided, single submitter. Criteria: GeneDx Variant Classification Process June 2021. Collection method: clinical testing. Allele origin: germline. Affected: yes.
Comment: Not observed in large population cohorts (Lek et al., 2016); In silico analysis supports that this missense variant has a deleterious effect on protein structure/function; Has not been previously published as pathogenic or benign to our knowledge